The following is an entry in ClinVar:

NM_000274.4(OAT):c.-29-81A>G

Gene: OAT (ornithine aminotransferase; minus strand). Cytogenetic location: 10q26.13.
Variant type: single nucleotide variant.
Coding change: c.-29-81A>G on transcript NM_000274.4 (MANE Select); 81 bases into the intron before 29 bases upstream of the start codon, A replaced by G.
Molecular consequence: intron variant.
Genome position (GRCh38, 1-based): chr10:124,412,281, T>C on the plus strand (A>G on the coding strand, the complement: OAT is on the minus strand). VCF-style: chr10-124412281-T-C. GRCh37 (hg19) VCF-style: chr10-126100850-T-C.
Other names: c.-29-81A>G (NM_001322965.2, NM_001322971.2, NM_001322969.2 and 4 more transcripts); c.-215-3316A>G (NM_001171814.2); c.-515-3316A>G (NM_001322974.2).
Identifiers: ClinVar variation 683242 (VCV000683242.2), dbSNP rs2674340, ClinGen allele CA13277271.

ClinVar aggregate classification (germline): Benign. Review status: criteria provided, multiple submitters, no conflicts (2 of 4 stars). 2 submissions from 2 submitters: Benign (2). Last evaluated 2018-06-19.

Allele frequency attached by ClinVar (database versions not stated): TOPMed 0.81627; gnomAD exomes 0.83854; 1000 Genomes Project 30x 0.85603; 1000 Genomes Project 0.86362.
gnomAD v4.1: 889,293 of 1,063,574 alleles (84%); highest among the groups gnomAD compares: East Asian, 96%; 373,305 homozygotes.

Submissions (2):

GeneDx
Classification: Benign. Last evaluated: 2018-06-19. Review status: criteria provided, single submitter. Criteria: GeneDx Variant Classification (06012015). Collection method: clinical testing. Allele origin: germline. Affected: yes.
Comment: This variant is considered likely benign or benign based on one or more of the following criteria: it is a conservative change, it occurs at a poorly conserved position in the protein, it is predicted to be benign by multiple in silico algorithms, and/or has population frequency not consistent with disease.

Breakthrough Genomics
Classification: Benign. Review status: criteria provided, single submitter. Criteria: ACMG Guidelines, 2015. Collection method: not provided. Allele origin: germline. Inheritance: Autosomal recessive inheritance. Affected: yes.